The following is an entry in ClinVar:

ClinVar aggregate classification (germline): Likely benign. Review status: criteria provided, multiple submitters, no conflicts (2 of 4 stars). 3 submissions from 3 submitters: Likely benign (3). Last evaluated 2026-01-11.

Conditions:
Hereditary cancer-predisposing syndrome. Also called: Hereditary Cancer Syndrome; Hereditary neoplastic syndrome; Neoplastic Syndromes, Hereditary; Tumor predisposition. Identifiers: Orphanet 140162, MedGen C0027672, MeSH D009386, MONDO:0015356.

Allele frequency attached by ClinVar (database versions not stated): TOPMed 0.00003.

Submissions (3):

Labcorp Genetics (formerly Invitae), Labcorp
Classification: Likely benign. Last evaluated: 2026-01-11. Review status: criteria provided, single submitter. Criteria: Invitae Variant Classification Sherloc (09022015). Collection method: clinical testing. Allele origin: germline.

Ambry Genetics
Classification: Likely benign for Hereditary cancer-predisposing syndrome. Last evaluated: 2025-07-17. Review status: criteria provided, single submitter. Criteria: Ambry Variant Classification Scheme 2023. Collection method: clinical testing. Allele origin: germline.

GeneDx
Classification: Likely benign. Last evaluated: 2016-05-11. Review status: criteria provided, single submitter. Criteria: GeneDx Variant Classification (06012015). Collection method: clinical testing. Allele origin: germline. Affected: yes.
Comment: This variant is considered likely benign or benign based on one or more of the following criteria: it is a conservative change, it occurs at a poorly conserved position in the protein, it is predicted to be benign by multiple in silico algorithms, and/or has population frequency not consistent with disease.

NM_006231.4(POLE):c.1687-4C>T

Gene: POLE (DNA polymerase epsilon, catalytic subunit; minus strand). Cytogenetic location: 12q24.33.
Variant type: single nucleotide variant.
Coding change: c.1687-4C>T on transcript NM_006231.4 (MANE Select); 4 bases into the intron before coding-DNA position 1687, C replaced by T.
Molecular consequence: intron variant.
Genome position (GRCh38, 1-based): chr12:132,672,326, G>A on the plus strand (C>T on the coding strand, the complement: POLE is on the minus strand). VCF-style: chr12-132672326-G-A. GRCh37 (hg19) VCF-style: chr12-133248912-G-A.
Identifiers: ClinVar variation 386144 (VCV000386144.17), dbSNP rs375705244, ClinGen allele CA16606448.
Genomic context (GRCh38, chr12:132,672,326, plus strand): 5'-GGCGTGGCGCAAGGTCTTCTCAACCCGCTGCAGCAGGAAGTCAAAGGCGGCAGGATTCTA[G>A]CACAACAGTGAGACGACGGGGTCAGAGGGGAAACACACCCACACTAGCCTGCCTCAGGTT-3'